The following is an entry in ClinVar:

ClinVar aggregate classification (germline): Uncertain significance. Review status: criteria provided, multiple submitters, no conflicts (2 of 4 stars). 6 submissions from 6 submitters: Uncertain significance (6). Last evaluated 2025-02-28.

Conditions:
Inborn genetic diseases. Identifiers: MedGen C0950123, MeSH D030342.

Submissions (6):

GeneDx
Classification: Uncertain significance. Last evaluated: 2025-02-28. Review status: criteria provided, single submitter. Criteria: GeneDx Variant Classification Process June 2021. Collection method: clinical testing. Allele origin: germline. Affected: yes.
Comment: In silico analysis indicates that this missense variant does not alter protein structure/function; Has not been previously published as pathogenic or benign to our knowledge

Ambry Genetics
Classification: Uncertain significance for Inborn genetic diseases. Last evaluated: 2024-12-04. Review status: criteria provided, single submitter. Criteria: Ambry Variant Classification Scheme 2023. Collection method: clinical testing. Allele origin: germline.

Labcorp Genetics (formerly Invitae), Labcorp
Classification: Uncertain significance. Last evaluated: 2023-07-10. Review status: criteria provided, single submitter. Criteria: Invitae Variant Classification Sherloc (09022015). Collection method: clinical testing. Allele origin: germline.
Comment: In summary, the available evidence is currently insufficient to determine the role of this variant in disease. Therefore, it has been classified as a Variant of Uncertain Significance. Advanced modeling of protein sequence and biophysical properties (such as structural, functional, and spatial information, amino acid conservation, physicochemical variation, residue mobility, and thermodynamic stability) performed at Invitae indicates that this missense variant is not expected to disrupt TJP2 protein function. ClinVar contains an entry for this variant (Variation ID: 500763). This variant has not been reported in the literature in individuals affected with TJP2-related conditions. This variant is present in population databases (rs763461861, gnomAD 0.04%). This sequence change replaces threonine, which is neutral and polar, with arginine, which is basic and polar, at codon 849 of the TJP2 protein (p.Thr849Arg).

Knight Diagnostic Laboratories, Oregon Health and Sciences University
Classification: Uncertain significance. Last evaluated: 2019-04-04. Review status: criteria provided, single submitter. Criteria: ACMG Guidelines, 2015. Collection method: clinical testing. Allele origin: germline. Observed: 1 variant allele.

Blueprint Genetics
Classification: Uncertain significance. Last evaluated: 2018-02-21. Review status: criteria provided, single submitter. Criteria: ACMG Guidelines, 2015. Collection method: clinical testing. Allele origin: germline.

Eurofins Ntd Llc (ga)
Classification: Uncertain significance. Last evaluated: 2017-08-21. Review status: criteria provided, single submitter. Criteria: EGL Classification Definitions 2015. Collection method: clinical testing. Allele origin: germline. Observed: 2 variant alleles, 2 heterozygotes.

NM_004817.4(TJP2):c.2546C>G (p.Thr849Arg)

Gene: TJP2 (tight junction protein 2; plus strand). Cytogenetic location: 9q21.11.
Variant type: single nucleotide variant.
Coding change: c.2546C>G on transcript NM_004817.4 (MANE Select); coding-DNA position 2546, C replaced by G.
Protein change: p.Thr849Arg; replaces threonine 849 with arginine.
Molecular consequence: missense variant.
Genome position (GRCh38, 1-based): chr9:69,240,127, C>G. VCF-style: chr9-69240127-C-G. GRCh37 (hg19) VCF-style: chr9-71855043-C-G.
Other names: c.2546C>G, p.Thr849Arg (LRG_1201t1, NM_201629.3, NM_001369872.1 and 1 more transcripts); c.2477C>G, p.Thr826Arg (NM_001170414.2, NM_001369871.1); c.2558C>G, p.Thr853Arg (NM_001170415.1, NM_001369874.1, NM_001369875.1); c.2639C>G, p.Thr880Arg (NM_001170416.2); c.2471C>G, p.Thr824Arg (NM_001369870.1); short protein forms T849R, T853R, T826R, T824R, T880R.
Identifiers: ClinVar variation 500763 (VCV000500763.18), dbSNP rs763461861, ClinGen allele CA5073689.
Genomic context (GRCh38, chr9:69,240,127, plus strand): 5'-ATCCAACGTCCAACAAAAGTTCTCGAAAGTTATTTGATCAAGCCAACAAGCTTAAAAAAA[C>G]GTGTGCACACCTTTTTACAGGTAAGTGAAATGTAAATGTAGTCCCTTTGCTAAAAAATGA-3'
Protein context (NP_004808.2, residues 839-859): LFDQANKLKK[Thr849Arg]CAHLFTATIN